The following is an entry in ClinVar:

ClinVar aggregate classification (germline): Likely benign (1 of 4 stars; one submission).

Allele frequency attached by ClinVar (database versions not stated): TOPMed below 0.00001; gnomAD 0.00001; gnomAD exomes 0.00001 and 0.00003; ExAC 0.00004.
gnomAD v4.1: 8 of 1,612,344 alleles (0.0005%); highest among the groups gnomAD compares: Non-Finnish European, 0.00068%; no homozygotes.

Submission:

GeneDx
Classification: Likely benign. Last evaluated: 2016-06-17. Review status: criteria provided, single submitter. Criteria: GeneDx Variant Classification (06012015). Collection method: clinical testing. Allele origin: germline. Affected: yes.
Comment: This variant is considered likely benign or benign based on one or more of the following criteria: it is a conservative change, it occurs at a poorly conserved position in the protein, it is predicted to be benign by multiple in silico algorithms, and/or has population frequency not consistent with disease.

NM_001165963.4(SCN1A):c.2947-9G>T

Gene: SCN1A (sodium voltage-gated channel alpha subunit 1; minus strand). Cytogenetic location: 2q24.3.
Variant type: single nucleotide variant.
Coding change: c.2947-9G>T on transcript NM_001165963.4 (MANE Select); 9 bases into the intron before coding-DNA position 2947, G replaced by T.
Molecular consequence: intron variant.
Genome position (GRCh38, 1-based): chr2:166,036,539, C>A on the plus strand (G>T on the coding strand, the complement: SCN1A is on the minus strand). VCF-style: chr2-166036539-C-A. GRCh37 (hg19) VCF-style: chr2-166893049-C-A.
Other names: c.2914-9G>T (NM_001353949.2, NM_001353950.2, NM_001353951.2 and 2 more transcripts); c.2863-9G>T (NM_001353958.2, NM_001353957.2, NM_001165964.3); c.2947-9G>T (NM_001202435.3, NM_001353948.2); c.2911-9G>T (NM_001353955.2, NM_001353954.2); c.2860-9G>T (NM_001353960.2); c.505-9G>T (NM_001353961.2).
Identifiers: ClinVar variation 386997 (VCV000386997.1), dbSNP rs773941197, ClinGen allele CA1943025.
Genomic context (GRCh38, chr2:166,036,539, plus strand): 5'-GGTTGTCTGCACTAAATGAGCTCAGAAGCAAGGCCAGAAAGAGATTCAGGACCTTAAAAA[C>A]AACAAAAACATGATTATAATTTTACACCAATGTAGGGAAGAGCAGATTACAATCACTTAT-3'